The following is an entry in ClinVar:

NM_001277115.2(DNAH11):c.5328+1G>T

Gene: DNAH11 (dynein axonemal heavy chain 11; plus strand). Cytogenetic location: 7p15.3.
Variant type: single nucleotide variant.
Coding change: c.5328+1G>T on transcript NM_001277115.2 (MANE Select); the canonical splice donor site of the intron after coding-DNA position 5328, G replaced by T.
Molecular consequence: splice donor variant.
Genome position (GRCh38, 1-based): chr7:21,659,032, G>T. VCF-style: chr7-21659032-G-T. GRCh37 (hg19) VCF-style: chr7-21698650-G-T.
Other names: NM_001277115.2:c.5328+1G>T.
Identifiers: ClinVar variation 3776924 (VCV003776924.1).

ClinVar aggregate classification (germline): Likely pathogenic (1 of 4 stars; one submission).

Conditions:
Primary ciliary dyskinesia 7. Also called: CILIARY DYSKINESIA, PRIMARY, 7, WITH OR WITHOUT SITUS INVERSUS. Identifiers: Orphanet 244, MedGen C2678473, MONDO:0012748, OMIM 611884.

gnomAD v4.1: 1 of 1,574,744 alleles (0.000064%); highest among the groups gnomAD compares: Admixed American, 0.0019%; no homozygotes.

Submission:

Broad Center for Mendelian Genomics, Broad Institute of MIT and Harvard
Classification: Likely pathogenic for Primary ciliary dyskinesia 7. Last evaluated: 2025-02-12. Review status: criteria provided, single submitter. Criteria: ACMG Guidelines, 2015. Collection method: curation. Allele origin: germline. Inheritance: Autosomal recessive inheritance.
Comment: The c.5328+1G>T variant in DNAH11 has not been previously reported in the literature in individuals with primary ciliary dyskinesia, but has been identified in 0.002% (1/53828) of Admixed American chromosomes by the Genome Aggregation Database (gnomAD; dbSNP rs773115606). Although this variant has been seen in the general population in a heterozygous state, its frequency is low enough to be consistent with a recessive carrier frequency. This variant is located in the 5' splice region. Computational tools predict a splicing impact, though this information is not predictive enough to determine pathogenicity. This variant is adjacent to an in-frame exon and is more likely to escape nonsense mediated decay (NMD) and result in a truncated protein. Loss of function of the DNAH11 gene is an established disease mechanism in autosomal recessive primary ciliary dyskinesia. One additional likely pathogenic variant, predicted to induce the same splicing effect as this variant, has been reported in ClinVar as being associated with primary ciliary dyskinesia supporting that the c.5328+1G>T may be pathogenic (Variation ID: 663567). In summary, although additional studies are required to fully establish its clinical significance, this variant is likely pathogenic for autosomal recessive primary ciliary dyskinesia. ACMG/AMP Criteria applied: PVS1_strong, PM2_supporting, PS1_supporting (Richards 2015).